The following is an entry in ClinVar:

ClinVar aggregate classification (germline): Uncertain significance (1 of 4 stars; one submission).

gnomAD v4.1: 18 of 1,599,350 alleles (0.0011%); highest among the groups gnomAD compares: Non-Finnish European, 0.0012%; no homozygotes.

Submission:

Labcorp Genetics (formerly Invitae), Labcorp
Classification: Uncertain significance. Last evaluated: 2025-06-24. Review status: criteria provided, single submitter. Criteria: Invitae Variant Classification Sherloc (09022015). Collection method: clinical testing. Allele origin: germline.
Comment: This sequence change replaces glycine, which is neutral and non-polar, with arginine, which is basic and polar, at codon 298 of the TCF3 protein (p.Gly298Arg). This variant is present in population databases (rs780652877, gnomAD 0.004%). This variant has not been reported in the literature in individuals affected with TCF3-related conditions. ClinVar contains an entry for this variant (Variation ID: 2070208). Experimental studies and prediction algorithms are not available or were not evaluated, and the functional significance of this variant is currently unknown. In summary, the available evidence is currently insufficient to determine the role of this variant in disease. Therefore, it has been classified as a Variant of Uncertain Significance.

NM_003200.5(TCF3):c.892G>C (p.Gly298Arg)

Gene: TCF3 (transcription factor 3; minus strand). Cytogenetic location: 19p13.3.
Variant type: single nucleotide variant.
Coding change: c.892G>C on transcript NM_003200.5 (MANE Select); coding-DNA position 892, G replaced by C.
Protein change: p.Gly298Arg; replaces glycine 298 with arginine.
Molecular consequence: missense variant.
Genome position (GRCh38, 1-based): chr19:1,621,901, C>G on the plus strand (G>C on the coding strand, the complement: TCF3 is on the minus strand). VCF-style: chr19-1621901-C-G. GRCh37 (hg19) VCF-style: chr19-1621900-C-G.
Other names: c.892G>C, p.Gly298Arg (NM_001136139.4, NM_001351778.2, NM_001351779.2); short protein forms G298R.
Identifiers: ClinVar variation 2070208 (VCV002070208.4), dbSNP rs780652877, ClinGen allele CA9050181.